The following is an entry in ClinVar:

NM_004656.4(BAP1):c.1514C>A (p.Ser505Ter)

Gene: BAP1 (BRCA1 associated protein 1; minus strand). Cytogenetic location: 3p21.1.
Variant type: single nucleotide variant.
Coding change: c.1514C>A on transcript NM_004656.4 (MANE Select); coding-DNA position 1514, C replaced by A.
Protein change: p.Ser505Ter; replaces serine 505 with a stop codon.
Molecular consequence: nonsense.
Genome position (GRCh38, 1-based): chr3:52,403,631, G>T on the plus strand (C>A on the coding strand, the complement: BAP1 is on the minus strand). VCF-style: chr3-52403631-G-T. GRCh37 (hg19) VCF-style: chr3-52437647-G-T.
Other names: short protein forms S505*.
Identifiers: ClinVar variation 1183824 (VCV001183824.2), dbSNP rs1322319973, ClinGen allele CA353100881.

ClinVar aggregate classification (germline): Pathogenic (1 of 4 stars; one submission).

Submission:

GeneDx
Classification: Pathogenic. Last evaluated: 2019-10-11. Review status: criteria provided, single submitter. Criteria: GeneDx Variant Classification Process June 2021. Collection method: clinical testing. Allele origin: germline. Affected: yes.
Comment: Nonsense variant predicted to result in protein truncation or nonsense mediated decay in a gene for which loss-of-function is a known mechanism of disease; Not observed in large population cohorts (Lek 2016); Has not been previously published as pathogenic or benign to our knowledge